The following is an entry in ClinVar:

ClinVar aggregate classification (germline): Benign/Likely benign. Review status: criteria provided, multiple submitters, no conflicts (2 of 4 stars). 5 submissions from 5 submitters: Benign (4); Likely benign (1). Last evaluated 2026-02-02.

Conditions:
Neutrophil immunodeficiency syndrome. Also called: Immunodeficiency 73A with defective neutrophil chemotaxis and leukocytosis. Identifiers: Orphanet 183707, MedGen C1842398, MONDO:0011988, OMIM 608203.

Allele frequency attached by ClinVar (database versions not stated): 1000 Genomes Project 30x 0.07245; TOPMed 0.07262; ESP Exome Variant Server 0.07681; gnomAD exomes 0.00694 and 0.01742; ExAC 0.02096; gnomAD 0.06464 and 0.06966; 1000 Genomes Project 0.06949.
gnomAD v4.1: 20,403 of 1,605,176 alleles (1.3%); highest among the groups gnomAD compares: African/African-American, 22%; 1,906 homozygotes.

Submissions (5):

Labcorp Genetics (formerly Invitae), Labcorp
Classification: Benign for Neutrophil immunodeficiency syndrome. Last evaluated: 2026-02-02. Review status: criteria provided, single submitter. Criteria: Invitae Variant Classification Sherloc (09022015). Collection method: clinical testing. Allele origin: germline.

Women's Health and Genetics/Laboratory Corporation of America, LabCorp
Classification: Benign. Last evaluated: 2026-01-21. Review status: criteria provided, single submitter. Criteria: LabCorp Variant Classification Summary - May 2015. Collection method: clinical testing. Allele origin: germline.

Blueprint Genetics
Classification: Likely benign. Last evaluated: 2024-11-28. Review status: criteria provided, single submitter. Criteria: ACMG Guidelines, 2015. Collection method: clinical testing. Allele origin: germline.

GeneDx
Classification: Benign. Last evaluated: 2013-08-05. Review status: criteria provided, single submitter. Criteria: GeneDx Variant Classification (06012015). Collection method: clinical testing. Allele origin: germline. Affected: yes.
Comment: This variant is considered likely benign or benign based on one or more of the following criteria: it is a conservative change, it occurs at a poorly conserved position in the protein, it is predicted to be benign by multiple in silico algorithms, and/or has population frequency not consistent with disease.

Breakthrough Genomics
Classification: Benign. Review status: criteria provided, single submitter. Criteria: ACMG Guidelines, 2015. Collection method: not provided. Allele origin: germline. Inheritance: Autosomal recessive inheritance. Affected: yes.

NM_002872.5(RAC2):c.107+20T>C

Gene: RAC2 (Rac family small GTPase 2; minus strand). Cytogenetic location: 22q13.1.
Variant type: single nucleotide variant.
Coding change: c.107+20T>C on transcript NM_002872.5 (MANE Select); 20 bases into the intron after coding-DNA position 107, T replaced by C.
Molecular consequence: intron variant.
Genome position (GRCh38, 1-based): chr22:37,241,567, A>G on the plus strand (T>C on the coding strand, the complement: RAC2 is on the minus strand). VCF-style: chr22-37241567-A-G. GRCh37 (hg19) VCF-style: chr22-37637607-A-G.
Other names: c.107+20T>C (LRG_97t1).
Identifiers: ClinVar variation 138866 (VCV000138866.13), dbSNP rs6000622, ClinGen allele CA293022.